The following is an entry in ClinVar:

ClinVar aggregate classification (germline): Uncertain significance (1 of 4 stars; one submission).

Allele frequency attached by ClinVar (database versions not stated): gnomAD 0.00001; gnomAD exomes 0.00001.
gnomAD v4.1: 14 of 1,614,026 alleles (0.00087%); highest among the groups gnomAD compares: Admixed American, 0.0017%; no homozygotes.

Submission:

Labcorp Genetics (formerly Invitae), Labcorp
Classification: Uncertain significance. Last evaluated: 2022-05-30. Review status: criteria provided, single submitter. Criteria: Invitae Variant Classification Sherloc (09022015). Collection method: clinical testing. Allele origin: germline.
Comment: This variant is not present in population databases (gnomAD no frequency). This variant has not been reported in the literature in individuals affected with FLNB-related conditions. Advanced modeling of protein sequence and biophysical properties (such as structural, functional, and spatial information, amino acid conservation, physicochemical variation, residue mobility, and thermodynamic stability) performed at Invitae indicates that this missense variant is not expected to disrupt FLNB protein function. In summary, the available evidence is currently insufficient to determine the role of this variant in disease. Therefore, it has been classified as a Variant of Uncertain Significance. This sequence change replaces isoleucine, which is neutral and non-polar, with valine, which is neutral and non-polar, at codon 575 of the FLNB protein (p.Ile575Val).

NM_001457.4(FLNB):c.1723A>G (p.Ile575Val)

Gene: FLNB (filamin B; plus strand). Cytogenetic location: 3p14.3.
Variant type: single nucleotide variant.
Coding change: c.1723A>G on transcript NM_001457.4 (MANE Select); coding-DNA position 1723, A replaced by G.
Protein change: p.Ile575Val; replaces isoleucine 575 with valine.
Molecular consequence: missense variant.
Genome position (GRCh38, 1-based): chr3:58,105,192, A>G. VCF-style: chr3-58105192-A-G. GRCh37 (hg19) VCF-style: chr3-58090919-A-G.
Other names: c.1723A>G, p.Ile575Val (NM_001164317.2, NM_001164318.2, NM_001164319.2); short protein forms I575V.
Identifiers: ClinVar variation 2029944 (VCV002029944.4), dbSNP rs2097257659, ClinGen allele CA353339438.